The following is an entry in ClinVar:

NM_000212.3(ITGB3):c.1918T>C (p.Cys640Arg)

Gene: ITGB3 (integrin subunit beta 3; plus strand). Cytogenetic location: 17q21.32.
Variant type: single nucleotide variant.
Coding change: c.1918T>C on transcript NM_000212.3 (MANE Select); coding-DNA position 1918, T replaced by C.
Protein change: p.Cys640Arg; replaces cysteine 640 with arginine.
Molecular consequence: missense variant.
Genome position (GRCh38, 1-based): chr17:47,300,482, T>C. VCF-style: chr17-47300482-T-C. GRCh37 (hg19) VCF-style: chr17-45377848-T-C.
Other names: short protein forms C640R.
Identifiers: ClinVar variation 2886717 (VCV002886717.3), dbSNP rs2547621569, ClinGen allele CA400032848.

ClinVar aggregate classification (germline): Uncertain significance (1 of 4 stars; one submission).

Allele frequency attached by ClinVar (database versions not stated): gnomAD exomes below 0.00001.
gnomAD v4.1: 1 of 1,612,736 alleles (0.000062%); highest among the groups gnomAD compares: Non-Finnish European, 0.000085%; no homozygotes.

Submission:

Labcorp Genetics (formerly Invitae), Labcorp
Classification: Uncertain significance. Last evaluated: 2023-04-05. Review status: criteria provided, single submitter. Criteria: Invitae Variant Classification Sherloc (09022015). Collection method: clinical testing. Allele origin: germline.
Comment: This sequence change replaces cysteine, which is neutral and slightly polar, with arginine, which is basic and polar, at codon 640 of the ITGB3 protein (p.Cys640Arg). In summary, the available evidence is currently insufficient to determine the role of this variant in disease. Therefore, it has been classified as a Variant of Uncertain Significance. Advanced modeling of protein sequence and biophysical properties (such as structural, functional, and spatial information, amino acid conservation, physicochemical variation, residue mobility, and thermodynamic stability) performed at Invitae indicates that this missense variant is expected to disrupt ITGB3 protein function. This variant has not been reported in the literature in individuals affected with ITGB3-related conditions. This variant is not present in population databases (gnomAD no frequency).